The following is an entry in ClinVar:

ClinVar aggregate classification (germline): Uncertain significance (1 of 4 stars; one submission).

Conditions:
Marfan syndrome (MFS). Also called: FBN1-Related Marfan Syndrome; MARFAN SYNDROME, TYPE I; Marfan syndrome type 1; Marfan's syndrome; Marfan syndrome, classic. Identifiers: Orphanet 284963, Orphanet 558, MedGen C0024796, MONDO:0007947, OMIM 154700.
Familial thoracic aortic aneurysm and aortic dissection (TAAD). Also called: Thoracic aortic aneurysms and dissections. Identifiers: Orphanet 91387, MedGen C4707243, MONDO:0019625.

Submission:

Labcorp Genetics (formerly Invitae), Labcorp
Classification: Uncertain significance for Marfan syndrome; Familial thoracic aortic aneurysm and aortic dissection. Last evaluated: 2020-08-07. Review status: criteria provided, single submitter. Criteria: Invitae Variant Classification Sherloc (09022015). Collection method: clinical testing. Allele origin: germline.
Comment: In summary, the available evidence is currently insufficient to determine the role of this variant in disease. Therefore, it has been classified as a Variant of Uncertain Significance. Advanced modeling of protein sequence and biophysical properties (such as structural, functional, and spatial information, amino acid conservation, physicochemical variation, residue mobility, and thermodynamic stability) performed at Invitae indicates that this missense variant is not expected to disrupt FBN1 protein function. This variant has not been reported in the literature in individuals with FBN1-related conditions. This variant is not present in population databases (ExAC no frequency). This sequence change replaces tyrosine with cysteine at codon 401 of the FBN1 protein (p.Tyr401Cys). The tyrosine residue is moderately conserved and there is a large physicochemical difference between tyrosine and cysteine.

NM_000138.5(FBN1):c.1202A>G (p.Tyr401Cys)

Gene: FBN1 (fibrillin 1; minus strand). Cytogenetic location: 15q21.1.
Variant type: single nucleotide variant.
Coding change: c.1202A>G on transcript NM_000138.5 (MANE Select); coding-DNA position 1202, A replaced by G.
Protein change: p.Tyr401Cys; replaces tyrosine 401 with cysteine.
Molecular consequence: missense variant.
Genome position (GRCh38, 1-based): chr15:48,516,308, T>C on the plus strand (A>G on the coding strand, the complement: FBN1 is on the minus strand). VCF-style: chr15-48516308-T-C. GRCh37 (hg19) VCF-style: chr15-48808505-T-C.
Other names: short protein forms Y401C.
Identifiers: ClinVar variation 1055589 (VCV001055589.9), dbSNP rs2141331103, ClinGen allele CA392345631.